The following is an entry in ClinVar:

ClinVar aggregate classification (germline): Likely pathogenic (1 of 4 stars; one submission).

gnomAD v4.1: 1 of 1,610,906 alleles (0.000062%); highest among the groups gnomAD compares: Non-Finnish European, 0.000085%; no homozygotes.

Submission:

GeneDx
Classification: Likely pathogenic. Last evaluated: 2026-02-05. Review status: criteria provided, single submitter. Criteria: GeneDx Variant Classification Process June 2021. Collection method: clinical testing. Allele origin: germline. Affected: yes.
Comment: Not observed at significant frequency in large population cohorts (gnomAD); In silico analysis supports that this missense variant has a deleterious effect on protein structure/function; Has not been previously published as pathogenic or benign to our knowledge; This variant is associated with the following publications: (PMID: 22696272)

NM_000393.5(COL5A2):c.2104G>C (p.Gly702Arg)

Gene: COL5A2 (collagen type V alpha 2 chain; minus strand). Cytogenetic location: 2q32.2.
Variant type: single nucleotide variant.
Coding change: c.2104G>C on transcript NM_000393.5 (MANE Select); coding-DNA position 2104, G replaced by C.
Protein change: p.Gly702Arg; replaces glycine 702 with arginine.
Molecular consequence: missense variant.
Genome position (GRCh38, 1-based): chr2:189,058,875, C>G on the plus strand (G>C on the coding strand, the complement: COL5A2 is on the minus strand). VCF-style: chr2-189058875-C-G. GRCh37 (hg19) VCF-style: chr2-189923601-C-G.
Other names: short protein forms G702R.
Identifiers: ClinVar variation 2429715 (VCV002429715.2), dbSNP rs772811492, ClinGen allele CA349876307.
Genomic context (GRCh38, chr2:189,058,875, plus strand): 5'-AAACAACATTAATCATGAAGATTAAAATACTTACTCTAGGTCCTAACGGGCCAACTGCTC[C>G]GGGATCTCCAGGAACACCCTATAAACACATTTTTTTTTTTTAATGGAACAAGAGCTTTGA-3'
Protein context (NP_000384.2, residues 692-712): PGDQGVPGDP[Gly702Arg]AVGPLGPRGE